The following is an entry in ClinVar:

ClinVar aggregate classification (germline): Uncertain significance. Review status: criteria provided, multiple submitters, no conflicts (2 of 4 stars). 2 submissions from 2 submitters: Uncertain significance (2). Last evaluated 2026-07-06.

Conditions:
Hereditary cancer-predisposing syndrome. Also called: Tumor predisposition; Hereditary neoplastic syndrome; Neoplastic Syndromes, Hereditary; Hereditary Cancer Syndrome. Identifiers: Orphanet 140162, MedGen C0027672, MeSH D009386, MONDO:0015356.
Bloom syndrome (BLM). Also called: Bloom-Torre-Machacek syndrome. Identifiers: Orphanet 125, MedGen C0005859, MONDO:0008876, OMIM 210900.

Allele frequency attached by ClinVar (database versions not stated): gnomAD exomes below 0.00001.
gnomAD v4.1: 1 of 1,614,196 alleles (0.000062%); highest among the groups gnomAD compares: Non-Finnish European, 0.000085%; no homozygotes.

Submissions (2):

Ambry Genetics
Classification: Uncertain significance for Hereditary cancer-predisposing syndrome. Last evaluated: 2026-07-06. Review status: criteria provided, single submitter. Criteria: Ambry Variant Classification Scheme 2023. Collection method: clinical testing. Allele origin: germline.
Comment: The p.S925A variant (also known as c.2773T>G), located in coding exon 13 of the BLM gene, results from a T to G substitution at nucleotide position 2773. The serine at codon 925 is replaced by alanine, an amino acid with similar properties. This amino acid position is conserved. In addition, this alteration is predicted to be tolerated by in silico analysis. Based on the available evidence, the clinical significance of this variant remains unclear.

Labcorp Genetics (formerly Invitae), Labcorp
Classification: Uncertain significance for Bloom syndrome. Last evaluated: 2023-07-24. Review status: criteria provided, single submitter. Criteria: Invitae Variant Classification Sherloc (09022015). Collection method: clinical testing. Allele origin: germline.
Comment: This sequence change replaces serine, which is neutral and polar, with alanine, which is neutral and non-polar, at codon 925 of the BLM protein (p.Ser925Ala). This variant is not present in population databases (gnomAD no frequency). This variant has not been reported in the literature in individuals affected with BLM-related conditions. ClinVar contains an entry for this variant (Variation ID: 846844). Advanced modeling of protein sequence and biophysical properties (such as structural, functional, and spatial information, amino acid conservation, physicochemical variation, residue mobility, and thermodynamic stability) performed at Invitae indicates that this missense variant is not expected to disrupt BLM protein function. In summary, the available evidence is currently insufficient to determine the role of this variant in disease. Therefore, it has been classified as a Variant of Uncertain Significance.

NM_000057.4(BLM):c.2773T>G (p.Ser925Ala)

Gene: BLM (BLM RecQ like helicase; plus strand). Cytogenetic location: 15q26.1.
Variant type: single nucleotide variant.
Coding change: c.2773T>G on transcript NM_000057.4 (MANE Select); coding-DNA position 2773, T replaced by G.
Protein change: p.Ser925Ala; replaces serine 925 with alanine.
Molecular consequence: missense variant.
Genome position (GRCh38, 1-based): chr15:90,785,031, T>G. VCF-style: chr15-90785031-T-G. GRCh37 (hg19) VCF-style: chr15-91328261-T-G.
Other names: c.2773T>G, p.Ser925Ala (NM_001287246.2, NM_001287247.2); c.1648T>G, p.Ser550Ala (NM_001287248.2); c.2773T>G (NM_000057.2); short protein forms S550A, S925A.
Identifiers: ClinVar variation 846844 (VCV000846844.11), dbSNP rs1896710618, ClinGen allele CA393846081.